The following is an entry in ClinVar:

NM_002474.3(MYH11):c.1904C>T (p.Thr635Met)

Gene: MYH11 (myosin heavy chain 11; minus strand). Cytogenetic location: 16p13.11.
Variant type: single nucleotide variant.
Coding change: c.1904C>T on transcript NM_002474.3 (MANE Select); coding-DNA position 1904, C replaced by T.
Protein change: p.Thr635Met; replaces threonine 635 with methionine.
Molecular consequence: missense variant.
Genome position (GRCh38, 1-based): chr16:15,750,292, G>A on the plus strand (C>T on the coding strand, the complement: MYH11 is on the minus strand). VCF-style: chr16-15750292-G-A. GRCh37 (hg19) VCF-style: chr16-15844149-G-A.
Other names: c.1925C>T, p.Thr642Met (NM_001040113.2, NM_001040114.2); c.1904C>T, p.Thr635Met (NM_022844.3); c.1904C>T (NM_002474.2); short protein forms T642M, T635M.
Identifiers: ClinVar variation 578053 (VCV000578053.19), dbSNP rs745878375, ClinGen allele CA7922470.

ClinVar aggregate classification (germline): Uncertain significance. Review status: criteria provided, multiple submitters, no conflicts (2 of 4 stars). 5 submissions from 5 submitters: Uncertain significance (5). Last evaluated 2026-05-29.

Conditions:
Familial thoracic aortic aneurysm and aortic dissection (TAAD). Also called: Thoracic aortic aneurysms and dissections. Identifiers: Orphanet 91387, MedGen C4707243, MONDO:0019625.
Aortic aneurysm, familial thoracic 4 (AAT4). Also called: AORTIC ANEURYSM/AORTIC DISSECTION AND PATENT DUCTUS ARTERIOSUS. Identifiers: MedGen C1851504, MONDO:0007568, OMIM 132900.

Allele frequency attached by ClinVar (database versions not stated): gnomAD 0.00004 and 0.00003; gnomAD exomes 0.00001 and 0.00002; TOPMed 0.00003; ExAC 0.00004.
gnomAD v4.1: 27 of 1,613,162 alleles (0.0017%); highest among the groups gnomAD compares: South Asian, 0.013%; no homozygotes.

Submissions (5):

Ambry Genetics
Classification: Uncertain significance for Familial thoracic aortic aneurysm and aortic dissection. Last evaluated: 2026-05-29. Review status: criteria provided, single submitter. Criteria: Ambry Variant Classification Scheme 2023. Collection method: clinical testing. Allele origin: germline.
Comment: The p.T635M variant (also known as c.1904C>T), located in coding exon 15 of the MYH11 gene, results from a C to T substitution at nucleotide position 1904. The threonine at codon 635 is replaced by methionine, an amino acid with similar properties. This amino acid position is well conserved in available vertebrate species. In addition, the in silico prediction for this alteration is inconclusive. Based on the available evidence, the clinical significance of this variant remains unclear.

Labcorp Genetics (formerly Invitae), Labcorp
Classification: Uncertain significance for Aortic aneurysm, familial thoracic 4. Last evaluated: 2025-11-24. Review status: criteria provided, single submitter. Criteria: Invitae Variant Classification Sherloc (09022015). Collection method: clinical testing. Allele origin: germline.
Comment: This sequence change replaces threonine, which is neutral and polar, with methionine, which is neutral and non-polar, at codon 642 of the MYH11 protein (p.Thr642Met). This variant is present in population databases (rs745878375, gnomAD 0.02%). This variant has not been reported in the literature in individuals affected with MYH11-related conditions. ClinVar contains an entry for this variant (Variation ID: 578053). An algorithm developed to predict the effect of missense changes on protein structure and function (PolyPhen-2) suggests that this variant is likely to be disruptive. In summary, the available evidence is currently insufficient to determine the role of this variant in disease. Therefore, it has been classified as a Variant of Uncertain Significance.

All of Us Research Program, National Institutes of Health
Classification: Uncertain significance for Familial thoracic aortic aneurysm and aortic dissection. Last evaluated: 2024-06-09. Review status: criteria provided, single submitter. Criteria: ACMG Guidelines, 2015. Collection method: clinical testing. Allele origin: germline. Inheritance: Autosomal dominant inheritance. Observed: 9 variant alleles, 9 heterozygotes.
Comment: This missense variant replaces threonine with methionine at codon 642 of the MYH11 protein. Computational prediction is inconclusive regarding the impact of this variant on protein structure and function (internally defined REVEL score threshold 0.5 < inconclusive < 0.7, PMID: 27666373). To our knowledge, functional studies have not been reported for this variant. This variant has not been reported in individuals affected with cardiovascular disorders in the literature. This variant has been identified in 6/247602 chromosomes in the general population by the Genome Aggregation Database (gnomAD). The available evidence is insufficient to determine the role of this variant in disease conclusively. Therefore, this variant is classified as a Variant of Uncertain Significance.

This study involves interpretation of variants in research participants for the purpose of population health screening. Participant phenotype was not available at the time of variant classification. Additional details can be found in publication PMID: 35346344, PMCID: PMC8962531

Color Diagnostics, LLC DBA Color Health
Classification: Uncertain significance for Familial thoracic aortic aneurysm and aortic dissection. Last evaluated: 2024-04-22. Review status: criteria provided, single submitter. Criteria: ACMG Guidelines, 2015. Collection method: clinical testing. Allele origin: germline.
Comment: This missense variant replaces threonine with methionine at codon 642 of the MYH11 protein. Computational prediction tools indicate that this variant's impact on protein structure and function is inconclusive. To our knowledge, functional studies have not been reported for this variant. This variant has not been reported in individuals affected with MYH11-related disorders in the literature. This variant has been identified in 6/247602 chromosomes in the general population by the Genome Aggregation Database (gnomAD). The available evidence is insufficient to determine the role of this variant in disease conclusively. Therefore, this variant is classified as a Variant of Uncertain Significance.

GeneDx
Classification: Uncertain significance. Last evaluated: 2024-02-14. Review status: criteria provided, single submitter. Criteria: GeneDx Variant Classification Process June 2021. Collection method: clinical testing. Allele origin: germline. Affected: yes.
Comment: Has not been reported in association with a connective tissue disorder to the best of our knowledge; In silico analysis supports that this missense variant does not alter protein structure/function; This variant is associated with the following publications: (PMID: 35982159, 35982160, 31785789)